The following is an entry in ClinVar:

NM_005228.5(EGFR):c.2119T>G (p.Leu707Val)

Gene: EGFR (epidermal growth factor receptor; plus strand). Cytogenetic location: 7p11.2.
Variant type: single nucleotide variant.
Coding change: c.2119T>G on transcript NM_005228.5 (MANE Select); coding-DNA position 2119, T replaced by G.
Protein change: p.Leu707Val; replaces leucine 707 with valine.
Molecular consequence: missense variant.
Genome position (GRCh38, 1-based): chr7:55,173,978, T>G. VCF-style: chr7-55173978-T-G. GRCh37 (hg19) VCF-style: chr7-55241671-T-G.
Other names: c.1984T>G, p.Leu662Val (NM_001346897.2, NM_001346899.2); c.2119T>G, p.Leu707Val (NM_001346898.2); c.1960T>G, p.Leu654Val (NM_001346900.2); c.1318T>G, p.Leu440Val (NM_001346941.2); short protein forms L707V, L662V, L440V, L654V.
Identifiers: ClinVar variation 2179834 (VCV002179834.4), dbSNP rs2128953628, ClinGen allele CA367583583.
Genomic context (GRCh38, chr7:55,173,978, plus strand): 5'-CAGCTTGTGGAGCCTCTTACACCCAGTGGAGAAGCTCCCAACCAAGCTCTCTTGAGGATC[T>G]TGAAGGAAACTGAATTCAAAAAGATCAAAGTGCTGGGCTCCGGTGCGTTCGGCACGGTGT-3'
Protein context (NP_005219.2, residues 697-717): EAPNQALLRI[Leu707Val]KETEFKKIKV

ClinVar aggregate classification (germline): Uncertain significance (1 of 4 stars; one submission).

Conditions:
EGFR-related lung cancer (EGFR). Identifiers: MedGen CN130014.

Submission:

Labcorp Genetics (formerly Invitae), Labcorp
Classification: Uncertain significance for EGFR-related lung cancer. Last evaluated: 2024-07-16. Review status: criteria provided, single submitter. Criteria: Invitae Variant Classification Sherloc (09022015). Collection method: clinical testing. Allele origin: germline.
Comment: This sequence change replaces leucine, which is neutral and non-polar, with valine, which is neutral and non-polar, at codon 707 of the EGFR protein (p.Leu707Val). This variant is not present in population databases (gnomAD no frequency). This variant has not been reported in the literature in individuals affected with EGFR-related conditions. ClinVar contains an entry for this variant (Variation ID: 2179834). Advanced modeling of protein sequence and biophysical properties (such as structural, functional, and spatial information, amino acid conservation, physicochemical variation, residue mobility, and thermodynamic stability) performed at Invitae indicates that this missense variant is not expected to disrupt EGFR protein function with a negative predictive value of 80%. In summary, the available evidence is currently insufficient to determine the role of this variant in disease. Therefore, it has been classified as a Variant of Uncertain Significance.